The following is an entry in ClinVar:

NM_020066.5(FMN2):c.3330G>T (p.Pro1110=)

Gene: FMN2 (formin 2; plus strand). Cytogenetic location: 1q43.
Variant type: single nucleotide variant.
Coding change: c.3330G>T on transcript NM_020066.5 (MANE Select); coding-DNA position 3330, G replaced by T.
Protein change: p.Pro1110=; no amino-acid change (proline 1110 retained).
Molecular consequence: synonymous variant. On other transcripts: intron variant (1).
Genome position (GRCh38, 1-based): chr1:240,208,142, G>T. VCF-style: chr1-240208142-G-T. GRCh37 (hg19) VCF-style: chr1-240371442-G-T.
Other names: c.3342G>T, p.Pro1114= (NM_001305424.2); c.1986+19880G>T (NM_001348094.2).
Identifiers: ClinVar variation 4533775 (VCV004533775.7).

ClinVar aggregate classification (germline): Likely benign. Review status: criteria provided, multiple submitters, no conflicts (2 of 4 stars). 2 submissions from 2 submitters: Likely benign (2). Last evaluated 2026-09-01.

Submissions (2):

CeGaT Center for Human Genetics Tuebingen
Classification: Likely benign. Last evaluated: 2026-09-01. Review status: criteria provided, single submitter. Criteria: CeGaT Center For Human Genetics Tuebingen Variant Classification Criteria Version 2. Collection method: clinical testing. Allele origin: germline. Affected: yes. Observed: 3 variant alleles.
Comment: FMN2: BP4, BP7

Blueprint Genetics
Classification: Likely benign. Last evaluated: 2024-11-19. Review status: criteria provided, single submitter. Criteria: ACMG Guidelines, 2015. Collection method: clinical testing. Allele origin: germline.